The following is an entry in ClinVar:

ClinVar aggregate classification (germline): Pathogenic. Review status: criteria provided, multiple submitters, no conflicts (2 of 4 stars). 2 submissions from 2 submitters: Pathogenic (2). Last evaluated 2024-10-03.

Conditions:
Hereditary cancer-predisposing syndrome. Also called: Neoplastic Syndromes, Hereditary; Hereditary Cancer Syndrome; Tumor predisposition; Hereditary neoplastic syndrome. Identifiers: Orphanet 140162, MedGen C0027672, MeSH D009386, MONDO:0015356.
Hereditary breast ovarian cancer syndrome. Also called: Hereditary breast and ovarian cancer; Hereditary breast and ovarian cancer syndrome; Breast and ovarian cancer; BRCA1- and BRCA2-Associated Hereditary Breast and Ovarian Cancer; Hereditary breast and ovarian cancer syndrome (HBOC); Hereditary breast and/or ovarian cancer syndrome. Identifiers: Orphanet 145, MedGen C0677776, MeSH D061325, MONDO:0003582. Disease mechanism: loss of function.

Submissions (2):

Ambry Genetics
Classification: Pathogenic for Hereditary cancer-predisposing syndrome. Last evaluated: 2024-10-03. Review status: criteria provided, single submitter. Criteria: Ambry Variant Classification Scheme 2023. Collection method: clinical testing. Allele origin: germline.
Comment: The c.3231delG pathogenic mutation, located in coding exon 9 of the BRCA1 gene, results from a deletion of one nucleotide at nucleotide position 3231, causing a translational frameshift with a predicted alternate stop codon (p.P1078Qfs*3). This variant is considered to be rare based on population cohorts in the Genome Aggregation Database (gnomAD). This alteration is expected to result in loss of function by premature protein truncation or nonsense-mediated mRNA decay. As such, this alteration is interpreted as a disease-causing mutation.

Labcorp Genetics (formerly Invitae), Labcorp
Classification: Pathogenic for Hereditary breast ovarian cancer syndrome. Last evaluated: 2023-11-08. Review status: criteria provided, single submitter. Criteria: Invitae Variant Classification Sherloc (09022015). Collection method: clinical testing. Allele origin: germline.
Comment: This sequence change creates a premature translational stop signal (p.Pro1078Glnfs*3) in the BRCA1 gene. It is expected to result in an absent or disrupted protein product. Loss-of-function variants in BRCA1 are known to be pathogenic (PMID: 20104584). This variant is not present in population databases (gnomAD no frequency). This variant has not been reported in the literature in individuals affected with BRCA1-related conditions. For these reasons, this variant has been classified as Pathogenic.

Literature cited by the submitters: PubMed 20104584 (cited by Labcorp Genetics (formerly Invitae), Labcorp).

NM_007294.4(BRCA1):c.3231del (p.Pro1078fs)

Genes: BRCA1 (BRCA1 DNA repair associated; minus strand), LOC126862571 (BRD4-independent group 4 enhancer GRCh37_chr17:41243136-41244335; plus strand). Cytogenetic location: 17q21.31.
Variant type: Deletion.
Coding change: c.3231del on transcript NM_007294.4 (MANE Select); coding-DNA position 3231, one base deleted (G; older notation c.3231delG).
Protein change: p.Pro1078fs; shifts the reading frame from proline 1078.
Molecular consequence: frameshift variant. On other transcripts: intron variant (137).
Genome position (GRCh38, 1-based): chr17:43,092,300, C deleted on the plus strand (G on the coding strand, the reverse complement: BRCA1 is on the minus strand); the first of 3 consecutive C bases (chr17:43,092,300-43,092,302); deleting any one gives the same sequence. VCF-style (leftmost placement, unchanged base first): chr17-43092299-GC-G. GRCh37 (hg19) VCF-style: chr17-41244316-GC-G.
Other names: c.3087del, p.Pro1030fs (NM_001407839.1, NM_001407841.1, NM_001407842.1 and 20 more transcripts); c.3090del, p.Pro1031fs (NM_001407850.1, NM_001407851.1, NM_001407852.1 and 29 more transcripts); c.3018del, p.Pro1007fs (NM_001407853.1, NM_001407894.1, NM_001407895.1 and 9 more transcripts); c.3231del, p.Pro1078fs (NM_001407854.1, NM_001407858.1, NM_001407859.1 and 30 more transcripts); c.3228del, p.Pro1077fs (NM_001407860.1, NM_001407861.1, NM_001407587.1 and 22 more transcripts); c.3030del, p.Pro1011fs (NM_001407862.1); c.3108del, p.Pro1037fs (NM_001407863.1, NM_001407919.1, NM_001407937.1 and 19 more transcripts); c.3027del, p.Pro1010fs (NM_001407874.1, NM_001407875.1); and 42 more; short protein forms P1011fs, P1075fs, P782fs, P1007fs, P1052fs, P1078fs, P950fs, P989fs.
Identifiers: ClinVar variation 2749950 (VCV002749950.4), dbSNP rs2552160592, ClinGen allele CA2695225947.